The following is an entry in ClinVar:

NM_001127392.3(MYRF):c.1903+1G>A

Gene: MYRF (myelin regulatory factor; plus strand). Cytogenetic location: 11q12.2.
Variant type: single nucleotide variant.
Coding change: c.1903+1G>A on transcript NM_001127392.3 (MANE Select); the canonical splice donor site of the intron after coding-DNA position 1903, G replaced by A.
Molecular consequence: splice donor variant.
Genome position (GRCh38, 1-based): chr11:61,777,846, G>A. VCF-style: chr11-61777846-G-A. GRCh37 (hg19) VCF-style: chr11-61545318-G-A.
Other names: c.1876+1G>A (NM_013279.4).
Identifiers: ClinVar variation 3346946 (VCV003346946.1).

ClinVar aggregate classification (germline): Likely pathogenic (0 of 4 stars; one submission).

Conditions:
MYRF-related disorder. Also called: MYRF-related condition; MYRF-related disorders.

Submission:

PreventionGenetics, part of Exact Sciences
Classification: Likely pathogenic for MYRF-related condition. Last evaluated: 2024-05-20. Review status: no assertion criteria provided. Collection method: clinical testing. Allele origin: germline.
Comment: The MYRF c.1903+1G>A variant is predicted to disrupt the GT donor site and interfere with normal splicing. To our knowledge, this variant has not been reported in the literature or in a large population database, indicating this variant is rare. Variants that disrupt the consensus splice donor site in MYRF are expected to be pathogenic. This variant is interpreted as likely pathogenic.